The following is an entry in ClinVar:

ClinVar aggregate classification (germline): Uncertain significance (1 of 4 stars; one submission).

gnomAD v4.1: 9 of 1,550,432 alleles (0.00058%); highest among the groups gnomAD compares: Middle Eastern, 0.017%; no homozygotes.

Submission:

Dasa
Classification: Uncertain significance. Last evaluated: 2025-03-21. Review status: criteria provided, single submitter. Criteria: DASA Assertion Criteria. Collection method: clinical testing. Allele origin: germline.
Comment: NM_001163809.2(WDR81):c.2048G>C (p.Ser683Thr) is a missense variant that results in the substitution of serine with threonine. This variant is rare in population databases. Computational prediction algorithms are consistent with a benign effect. The currently available literature and clinical evidence are not sufficient to establish a definitive association between this variant and the reported condition. Therefore, this variant is classified as a variant of uncertain significance.

NM_001163809.2(WDR81):c.2048G>C (p.Ser683Thr)

Gene: WDR81 (WD repeat domain 81; plus strand). Cytogenetic location: 17p13.3.
Variant type: single nucleotide variant.
Coding change: c.2048G>C on transcript NM_001163809.2 (MANE Select); coding-DNA position 2048, G replaced by C.
Protein change: p.Ser683Thr; replaces serine 683 with threonine.
Molecular consequence: missense variant. On other transcripts: intron variant (3).
Genome position (GRCh38, 1-based): chr17:1,727,007, G>C. VCF-style: chr17-1727007-G-C. GRCh37 (hg19) VCF-style: chr17-1630301-G-C.
Other names: c.-123-983G>C (NM_152348.4); c.59-3373G>C (NM_001163673.2); c.-15+2221G>C (NM_001163811.2); short protein forms S683T.
Identifiers: ClinVar variation 5020977 (VCV005020977.1).